The following is an entry in ClinVar:

NM_002979.5(SCP2):c.5C>T (p.Ser2Phe)

Gene: SCP2 (sterol carrier protein 2; plus strand). Cytogenetic location: 1p32.3.
Variant type: single nucleotide variant.
Coding change: c.5C>T on transcript NM_002979.5 (MANE Select); coding-DNA position 5, C replaced by T.
Protein change: p.Ser2Phe; replaces serine 2 with phenylalanine.
Molecular consequence: missense variant. On other transcripts: 5 prime UTR variant (1).
Genome position (GRCh38, 1-based): chr1:52,927,401, C>T. VCF-style: chr1-52927401-C-T. GRCh37 (hg19) VCF-style: chr1-53393073-C-T.
Other names: c.5C>T, p.Ser2Phe (NM_001007098.3, NM_001193599.2, NM_001193600.2 and 1 more transcripts); c.-181C>T (NM_001193617.2); short protein forms S2F.
Identifiers: ClinVar variation 1483727 (VCV001483727.3), dbSNP rs1244050094, ClinGen allele CA340384415.
Genomic context (GRCh38, chr1:52,927,401, plus strand): 5'-CTGTCAGTGCCGGCAGTCGTCCGCGGCGCCCGCCCCGGTCCCGCACTGGTGCAGCCATGT[C>T]CTCTTCCCCGTGGGAGCCTGCGACCCTGCGCCGGGTGTTCGTGGTGGGGGTTGGCATGAC-3'
Protein context (NP_002970.2, residues 1-12): M[Ser2Phe]SSPWEPATLR

ClinVar aggregate classification (germline): Uncertain significance (1 of 4 stars; one submission).

Allele frequency attached by ClinVar (database versions not stated): TOPMed 0.00001.
gnomAD v4.1: 1 of 1,593,264 alleles (0.000063%); highest among the groups gnomAD compares: South Asian, 0.0011%; no homozygotes.

Submission:

Labcorp Genetics (formerly Invitae), Labcorp
Classification: Uncertain significance. Last evaluated: 2022-10-03. Review status: criteria provided, single submitter. Criteria: Invitae Variant Classification Sherloc (09022015). Collection method: clinical testing. Allele origin: germline.
Comment: This sequence change replaces serine, which is neutral and polar, with phenylalanine, which is neutral and non-polar, at codon 2 of the SCP2 protein (p.Ser2Phe). This variant is not present in population databases (gnomAD no frequency). This variant has not been reported in the literature in individuals affected with SCP2-related conditions. ClinVar contains an entry for this variant (Variation ID: 1483727). Algorithms developed to predict the effect of missense changes on protein structure and function (SIFT, PolyPhen-2, Align-GVGD) all suggest that this variant is likely to be tolerated. In summary, the available evidence is currently insufficient to determine the role of this variant in disease. Therefore, it has been classified as a Variant of Uncertain Significance.